The following is an entry in ClinVar:

NM_001041.4(SI):c.740A>G (p.Lys247Arg)

Gene: SI (sucrase-isomaltase; minus strand). Cytogenetic location: 3q26.1.
Variant type: single nucleotide variant.
Coding change: c.740A>G on transcript NM_001041.4 (MANE Select); coding-DNA position 740, A replaced by G.
Protein change: p.Lys247Arg; replaces lysine 247 with arginine.
Molecular consequence: missense variant.
Genome position (GRCh38, 1-based): chr3:165,065,328, T>C on the plus strand (A>G on the coding strand, the complement: SI is on the minus strand). VCF-style: chr3-165065328-T-C. GRCh37 (hg19) VCF-style: chr3-164783116-T-C.
Other names: short protein forms K247R.
Identifiers: ClinVar variation 2080878 (VCV002080878.3), dbSNP rs759379495, ClinGen allele CA2691341.

ClinVar aggregate classification (germline): Uncertain significance (1 of 4 stars; one submission).

Allele frequency attached by ClinVar (database versions not stated): gnomAD exomes below 0.00001; ExAC 0.00001.
gnomAD v4.1: 2 of 1,606,496 alleles (0.00012%); highest among the groups gnomAD compares: African/African-American, 0.0013%; no homozygotes.

Submission:

Labcorp Genetics (formerly Invitae), Labcorp
Classification: Uncertain significance. Last evaluated: 2024-07-17. Review status: criteria provided, single submitter. Criteria: Invitae Variant Classification Sherloc (09022015). Collection method: clinical testing. Allele origin: germline.
Comment: This sequence change replaces lysine, which is basic and polar, with arginine, which is basic and polar, at codon 247 of the SI protein (p.Lys247Arg). This variant is present in population databases (rs759379495, gnomAD 0.0009%). This variant has not been reported in the literature in individuals affected with SI-related conditions. ClinVar contains an entry for this variant (Variation ID: 2080878). Advanced modeling of protein sequence and biophysical properties (such as structural, functional, and spatial information, amino acid conservation, physicochemical variation, residue mobility, and thermodynamic stability) has been performed at Invitae for this missense variant, however the output from this modeling did not meet the statistical confidence thresholds required to predict the impact of this variant on SI protein function. In summary, the available evidence is currently insufficient to determine the role of this variant in disease. Therefore, it has been classified as a Variant of Uncertain Significance.